The following is an entry in ClinVar:

NM_001042492.3(NF1):c.3818C>T (p.Thr1273Ile)

Gene: NF1 (neurofibromin 1; plus strand). Cytogenetic location: 17q11.2.
Variant type: single nucleotide variant.
Coding change: c.3818C>T on transcript NM_001042492.3 (MANE Select); coding-DNA position 3818, C replaced by T.
Protein change: p.Thr1273Ile; replaces threonine 1273 with isoleucine.
Molecular consequence: missense variant.
Genome position (GRCh38, 1-based): chr17:31,235,720, C>T. VCF-style: chr17-31235720-C-T. GRCh37 (hg19) VCF-style: chr17-29562738-C-T.
Other names: c.3818C>T, p.Thr1273Ile (NM_000267.4); short protein forms T1273I.
Identifiers: ClinVar variation 2092997 (VCV002092997.4), dbSNP rs2151437962, ClinGen allele CA398992722.

ClinVar aggregate classification (germline): Uncertain significance (1 of 4 stars; one submission).

Conditions:
Neurofibromatosis, type 1 (NF1). Also called: NEUROFIBROMATOSIS, TYPE I, SOMATIC; Neurofibromatosis, type I; Peripheral type neurofibromatosis; VON RECKLINGHAUSEN DISEASE. Identifiers: Orphanet 636, MedGen C0027831, MONDO:0018975, OMIM 162200. Disease mechanism: loss of function.

Submission:

Labcorp Genetics (formerly Invitae), Labcorp
Classification: Uncertain significance for Neurofibromatosis, type 1. Last evaluated: 2024-11-04. Review status: criteria provided, single submitter. Criteria: Invitae Variant Classification Sherloc (09022015). Collection method: clinical testing. Allele origin: germline.
Comment: This sequence change replaces threonine, which is neutral and polar, with isoleucine, which is neutral and non-polar, at codon 1273 of the NF1 protein (p.Thr1273Ile). This variant is not present in population databases (gnomAD no frequency). This variant has not been reported in the literature in individuals affected with NF1-related conditions. ClinVar contains an entry for this variant (Variation ID: 2092997). Invitae Evidence Modeling of protein sequence and biophysical properties (such as structural, functional, and spatial information, amino acid conservation, physicochemical variation, residue mobility, and thermodynamic stability) indicates that this missense variant is expected to disrupt NF1 protein function with a positive predictive value of 95%. In summary, the available evidence is currently insufficient to determine the role of this variant in disease. Therefore, it has been classified as a Variant of Uncertain Significance.